The following is an entry in ClinVar:

NM_152743.4(BRAT1):c.851C>T (p.Ala284Val)

Gene: BRAT1 (BRCA1 associated ATM activator 1; minus strand). Cytogenetic location: 7p22.3.
Variant type: single nucleotide variant.
Coding change: c.851C>T on transcript NM_152743.4 (MANE Select); coding-DNA position 851, C replaced by T.
Protein change: p.Ala284Val; replaces alanine 284 with valine.
Molecular consequence: missense variant. On other transcripts: non-coding transcript variant (1).
Genome position (GRCh38, 1-based): chr7:2,543,276, G>A on the plus strand (C>T on the coding strand, the complement: BRAT1 is on the minus strand). VCF-style: chr7-2543276-G-A. GRCh37 (hg19) VCF-style: chr7-2582910-G-A.
Other names: c.851C>T, p.Ala284Val (NM_001350626.2); c.326C>T, p.Ala109Val (NM_001350627.2); short protein forms A109V, A284V.
Identifiers: ClinVar variation 1308790 (VCV001308790.8), dbSNP rs750645922, ClinGen allele CA4128035.

ClinVar aggregate classification (germline): Uncertain significance. Review status: criteria provided, multiple submitters, no conflicts (2 of 4 stars). 3 submissions from 3 submitters: Uncertain significance (3). Last evaluated 2023-10-03.

Conditions:
Neonatal-onset encephalopathy with rigidity and seizures. Also called: Lethal neonatal spasticity-epileptic encephalopathy syndrome. Identifiers: Orphanet 435845, MedGen C3281029, MONDO:0013784, OMIM 614498.

Allele frequency attached by ClinVar (database versions not stated): ExAC 0.00001; gnomAD exomes 0.00001; gnomAD 0.00004.

Submissions (3):

Labcorp Genetics (formerly Invitae), Labcorp
Classification: Uncertain significance for Neonatal-onset encephalopathy with rigidity and seizures. Last evaluated: 2023-10-03. Review status: criteria provided, single submitter. Criteria: Invitae Variant Classification Sherloc (09022015). Collection method: clinical testing. Allele origin: germline.
Comment: This sequence change replaces alanine, which is neutral and non-polar, with valine, which is neutral and non-polar, at codon 284 of the BRAT1 protein (p.Ala284Val). The frequency data for this variant in the population databases is considered unreliable, as metrics indicate poor data quality at this position in the gnomAD database. This variant has not been reported in the literature in individuals affected with BRAT1-related conditions. ClinVar contains an entry for this variant (Variation ID: 1308790). Advanced modeling of protein sequence and biophysical properties (such as structural, functional, and spatial information, amino acid conservation, physicochemical variation, residue mobility, and thermodynamic stability) has been performed at Invitae for this missense variant, however the output from this modeling did not meet the statistical confidence thresholds required to predict the impact of this variant on BRAT1 protein function. In summary, the available evidence is currently insufficient to determine the role of this variant in disease. Therefore, it has been classified as a Variant of Uncertain Significance.

Revvity Omics, Revvity
Classification: Uncertain significance. Last evaluated: 2021-05-15. Review status: criteria provided, single submitter. Criteria: ACMG Guidelines, 2015. Collection method: clinical testing. Allele origin: germline.

GeneDx
Classification: Uncertain significance. Last evaluated: 2019-09-23. Review status: criteria provided, single submitter. Criteria: GeneDx Variant Classification Process June 2021. Collection method: clinical testing. Allele origin: germline. Affected: yes.
Comment: Not observed at a significant frequency in large population cohorts (Lek et al., 2016); In silico analysis, which includes protein predictors and evolutionary conservation, supports that this variant does not alter protein structure/function; Has not been previously published as pathogenic or benign to our knowledge